The following is an entry in ClinVar:

NM_001164508.2(NEB):c.9725C>G (p.Thr3242Ser)

Gene: NEB (nebulin; minus strand). Cytogenetic location: 2q23.3.
Variant type: single nucleotide variant.
Coding change: c.9725C>G on transcript NM_001164508.2 (MANE Select); coding-DNA position 9725, C replaced by G.
Protein change: p.Thr3242Ser; replaces threonine 3242 with serine.
Molecular consequence: missense variant.
Genome position (GRCh38, 1-based): chr2:151,629,645, G>C on the plus strand (C>G on the coding strand, the complement: NEB is on the minus strand). VCF-style: chr2-151629645-G-C. GRCh37 (hg19) VCF-style: chr2-152486159-G-C.
Other names: c.9725C>G, p.Thr3242Ser (NM_001164507.2, NM_001271208.2); c.8996C>G, p.Thr2999Ser (NM_004543.5); short protein forms T2999S, T3242S.
Identifiers: ClinVar variation 1903232 (VCV001903232.2), dbSNP rs2552237567, ClinGen allele CA348798488.

ClinVar aggregate classification (germline): Uncertain significance (1 of 4 stars; one submission).

Conditions:
Nemaline myopathy 2 (NEM2). Also called: Nemaline myopathy 2, autosomal recessive. Identifiers: MedGen C1850569, MONDO:0009725, OMIM 256030.

Submission:

Labcorp Genetics (formerly Invitae), Labcorp
Classification: Uncertain significance for Nemaline myopathy 2. Last evaluated: 2020-10-26. Review status: criteria provided, single submitter. Criteria: Invitae Variant Classification Sherloc (09022015). Collection method: clinical testing. Allele origin: germline.
Comment: This sequence change replaces threonine with serine at codon 3242 of the NEB protein (p.Thr3242Ser). The threonine residue is weakly conserved and there is a small physicochemical difference between threonine and serine. This variant is not present in population databases (ExAC no frequency). This variant has not been reported in the literature in individuals with NEB-related conditions. Algorithms developed to predict the effect of missense changes on protein structure and function output the following: SIFT: "Tolerated"; PolyPhen-2: "Not Available"; Align-GVGD: "Class C0". The serine amino acid residue is found in multiple mammalian species, suggesting that this missense change does not adversely affect protein function. These predictions have not been confirmed by published functional studies and their clinical significance is uncertain. In summary, the available evidence is currently insufficient to determine the role of this variant in disease. Therefore, it has been classified as a Variant of Uncertain Significance.